The following is an entry in ClinVar:

NM_000318.3(PEX2):c.16G>C (p.Glu6Gln)

Gene: PEX2 (peroxisomal biogenesis factor 2; minus strand). Cytogenetic location: 8q21.13.
Variant type: single nucleotide variant.
Coding change: c.16G>C on transcript NM_000318.3 (MANE Select); coding-DNA position 16, G replaced by C.
Protein change: p.Glu6Gln; replaces glutamic acid 6 with glutamine.
Molecular consequence: missense variant.
Genome position (GRCh38, 1-based): chr8:76,984,163, C>G on the plus strand (G>C on the coding strand, the complement: PEX2 is on the minus strand). VCF-style: chr8-76984163-C-G. GRCh37 (hg19) VCF-style: chr8-77896399-C-G.
Other names: c.16G>C, p.Glu6Gln (NM_001079867.2, NM_001172086.2, NM_001172087.2); short protein forms E6Q.
Identifiers: ClinVar variation 2143841 (VCV002143841.2), dbSNP rs916152210, ClinGen allele CA179988291.

ClinVar aggregate classification (germline): Uncertain significance (1 of 4 stars; one submission).

Conditions:
Peroxisome biogenesis disorder 5A (Zellweger) (PBD5A). Identifiers: Orphanet 912, MedGen C3553940, MONDO:0013932, OMIM 614866.

Allele frequency attached by ClinVar (database versions not stated): gnomAD 0.00001; gnomAD exomes 0.00001; TOPMed 0.00001.
gnomAD v4.1: 8 of 1,613,996 alleles (0.0005%); highest among the groups gnomAD compares: Admixed American, 0.0083%; no homozygotes.

Submission:

Labcorp Genetics (formerly Invitae), Labcorp
Classification: Uncertain significance for Peroxisome biogenesis disorder 5A (Zellweger). Last evaluated: 2024-12-02. Review status: criteria provided, single submitter. Criteria: Invitae Variant Classification Sherloc (09022015). Collection method: clinical testing. Allele origin: germline.
Comment: This sequence change replaces glutamic acid, which is acidic and polar, with glutamine, which is neutral and polar, at codon 6 of the PEX2 protein (p.Glu6Gln). This variant is present in population databases (no rsID available, gnomAD 0.006%). This variant has not been reported in the literature in individuals affected with PEX2-related conditions. ClinVar contains an entry for this variant (Variation ID: 2143841). An algorithm developed to predict the effect of missense changes on protein structure and function (PolyPhen-2) suggests that this variant¬†is likely to be tolerated. In summary, the available evidence is currently insufficient to determine the role of this variant in disease. Therefore, it has been classified as a Variant of Uncertain Significance.